The following is an entry in ClinVar:

NM_006206.6(PDGFRA):c.-13+5080G>A

Gene: PDGFRA (platelet derived growth factor receptor alpha; plus strand). Cytogenetic location: 4q12.
Variant type: single nucleotide variant.
Coding change: c.-13+5080G>A on transcript NM_006206.6 (MANE Select); 5080 bases into the intron after 13 bases upstream of the start codon, G replaced by A.
Molecular consequence: intron variant. On other transcripts: synonymous variant (1).
Genome position (GRCh38, 1-based): chr4:54,234,495, G>A. VCF-style: chr4-54234495-G-A. GRCh37 (hg19) VCF-style: chr4-55100662-G-A.
Other names: c.24G>A, p.Arg8= (NM_001347830.2); c.-16+5080G>A (NM_001347828.2); c.-13+5080G>A (NM_001347827.2); c.-13+1052G>A (NM_001347829.2).
Identifiers: ClinVar variation 3348754 (VCV003348754.1).
Genomic context (GRCh38, chr4:54,234,495, plus strand): 5'-TGGCCACTCGTAAGAACTACTGCGACCCGCTGTGAGAATGGGCTTCGCGGAGACCATTAG[G>A]AAGGTGCTTTATTTTTTATTTTTTATTTATTTTTTGCTCAGTAGGACCGTAATAGGTGAC-3'

ClinVar aggregate classification (germline): Likely benign (0 of 4 stars; one submission).

Conditions:
PDGFRA-related disorder. Also called: PDGFRA-related condition.

gnomAD v4.1: 3 of 152,210 alleles (0.002%); highest among the groups gnomAD compares: African/African-American, 0.0072%; no homozygotes.

Submission:

PreventionGenetics, part of Exact Sciences
Classification: Likely benign for PDGFRA-related condition. Last evaluated: 2024-03-27. Review status: no assertion criteria provided. Collection method: clinical testing. Allele origin: germline.
Comment: This variant is classified as likely benign based on ACMG/AMP sequence variant interpretation guidelines (Richards et al. 2015 PMID: 25741868, with internal and published modifications).